The following is an entry in ClinVar:

NM_194248.3(OTOF):c.3751T>G (p.Cys1251Gly)

Gene: OTOF (otoferlin; minus strand). Cytogenetic location: 2p23.3.
Variant type: single nucleotide variant.
Coding change: c.3751T>G on transcript NM_194248.3 (MANE Select); coding-DNA position 3751, T replaced by G.
Protein change: p.Cys1251Gly; replaces cysteine 1251 with glycine.
Molecular consequence: missense variant. On other transcripts: intron variant (2).
Genome position (GRCh38, 1-based): chr2:26,472,632, A>C on the plus strand (T>G on the coding strand, the complement: OTOF is on the minus strand). VCF-style: chr2-26472632-A-C. GRCh37 (hg19) VCF-style: chr2-26695500-A-C.
Other names: c.3751T>G, p.Cys1251Gly (NM_001287489.2); c.1681T>G, p.Cys561Gly (NM_194322.3); c.1493-43T>G (NM_194323.3, NM_004802.4); short protein forms C1251G, C561G.
Identifiers: ClinVar variation 48225 (VCV000048225.55), dbSNP rs41288773, ClinGen allele CA142869.
Genomic context (GRCh38, chr2:26,472,632, plus strand): 5'-TAGTCACCACAACCTCCCCTGTGGAGTGAGAGGAGGAGCCCCCATTGCACAGCACACGGC[A>C]GCGCCGGAGAAGCCTGACTGGACAGATGGATAGATGGACAGACAGGCAGAGGAAGGAGCA-3'
Protein context (NP_919224.1, residues 1241-1261): WNTTVRLLRR[Cys1251Gly]RVLCNGGSSS

ClinVar aggregate classification (germline): Benign/Likely benign. Review status: criteria provided, multiple submitters, no conflicts (2 of 4 stars). 12 submissions from 12 submitters: Benign (8); Likely benign (4). Last evaluated 2026-10-01.

Conditions:
Autosomal recessive nonsyndromic hearing loss 9. Also called: Deafness, autosomal recessive 9; AUDITORY NEUROPATHY, AUTOSOMAL RECESSIVE, 1, TEMPERATURE-SENSITIVE; NEUROSENSORY NONSYNDROMIC RECESSIVE DEAFNESS 9; OTOF-Related Hearing Loss. Identifiers: Orphanet 90636, MedGen C1832828, MONDO:0010986, OMIM 601071.

Allele frequency attached by ClinVar (database versions not stated): TOPMed 0.01467; gnomAD 0.01525 and 0.01560; gnomAD exomes 0.01573 and 0.02179; ExAC 0.01725; ESP Exome Variant Server 0.01407; 1000 Genomes Project 30x 0.00625; 1000 Genomes Project 0.00679.
gnomAD v4.1: 34,002 of 1,613,122 alleles (2.1%); highest among the groups gnomAD compares: Middle Eastern, 2.7%; 403 homozygotes.

Submissions (12):

CeGaT Center for Human Genetics Tuebingen
Classification: Benign. Last evaluated: 2026-10-01. Review status: criteria provided, single submitter. Criteria: CeGaT Center For Human Genetics Tuebingen Variant Classification Criteria Version 2. Collection method: clinical testing. Allele origin: germline. Affected: yes. Observed: 34 variant alleles.
Comment: OTOF: BP4, BS1, BS2

Labcorp Genetics (formerly Invitae), Labcorp
Classification: Benign. Last evaluated: 2026-02-01. Review status: criteria provided, single submitter. Criteria: Invitae Variant Classification Sherloc (09022015). Collection method: clinical testing. Allele origin: germline.

Fulgent Genetics
Classification: Likely benign for Autosomal recessive nonsyndromic hearing loss 9. Last evaluated: 2022-05-02. Review status: criteria provided, single submitter. Criteria: ACMG Guidelines, 2015. Collection method: clinical testing. Allele origin: unknown.

Mayo Clinic Laboratories, Mayo Clinic
Classification: Benign. Last evaluated: 2022-04-19. Review status: criteria provided, single submitter. Criteria: ACMG Guidelines, 2015. Collection method: clinical testing. Allele origin: germline. Observed: 11 variant alleles.
Comment: BA1, BS1, BS2

Women's Health and Genetics/Laboratory Corporation of America, LabCorp
Classification: Likely benign. Last evaluated: 2021-12-10. Review status: criteria provided, single submitter. Criteria: LabCorp Variant Classification Summary - May 2015. Collection method: clinical testing. Allele origin: germline.

Athena Diagnostics
Classification: Benign. Last evaluated: 2018-11-12. Review status: criteria provided, single submitter. Criteria: Athena Diagnostics Criteria. Collection method: clinical testing. Allele origin: germline.

GeneDx
Classification: Benign. Last evaluated: 2018-07-20. Review status: criteria provided, single submitter. Criteria: GeneDx Variant Classification Process June 2021. Collection method: clinical testing. Allele origin: germline. Affected: yes.
Comment: This variant is associated with the following publications: (PMID: 27766948, 19461658)

Eurofins Ntd Llc (ga)
Classification: Benign. Last evaluated: 2017-08-23. Review status: criteria provided, single submitter. Criteria: EGL Classification Definitions 2015. Collection method: clinical testing. Allele origin: germline. Observed: 1 variant allele, 1 heterozygote.

Illumina Laboratory Services, Illumina
Classification: Likely benign for Autosomal recessive nonsyndromic hearing loss 9. Last evaluated: 2017-04-27. Review status: criteria provided, single submitter. Criteria: ICSL Variant Classification Criteria 13 December 2019. Collection method: clinical testing. Allele origin: germline.
Comment: This variant was observed as part of a predisposition screen in an ostensibly healthy population. A literature search was performed for the gene, cDNA change, and amino acid change (where applicable). Publications were found based on this search. The evidence from the literature, in combination with allele frequency data from public databases where available, was sufficient to determine this variant is unlikely to cause disease. Therefore, this variant is classified as likely benign.

Laboratory for Molecular Medicine, Mass General Brigham Personalized Medicine
Classification: Benign. Last evaluated: 2011-06-09. Review status: criteria provided, single submitter. Criteria: LMM Criteria. Collection method: clinical testing. Allele origin: germline. Observed: 78 variant alleles.
Comment: Cys1251Gly in exon 30 of OTOF: This variant is predicted to be benign based on i ts high frequency in the general population (rs41288773; heterozyogous frequency = 2.5%).

Breakthrough Genomics
Classification: Likely benign. Review status: criteria provided, single submitter. Criteria: ACMG Guidelines, 2015. Collection method: not provided. Allele origin: germline. Inheritance: Autosomal recessive inheritance. Affected: yes.

PreventionGenetics, part of Exact Sciences
Classification: Benign. Review status: criteria provided, single submitter. Criteria: ACMG Guidelines, 2015. Collection method: clinical testing. Allele origin: germline.

Literature cited by the submitters: PubMed 19461658 (cited by 3 submitters); PubMed 27766948 (cited by Athena Diagnostics).